The following is an entry in ClinVar:

NM_001365999.1(SZT2):c.8500-6C>T

Gene: SZT2 (SZT2 subunit of KICSTOR complex; plus strand). Cytogenetic location: 1p34.2.
Variant type: single nucleotide variant.
Coding change: c.8500-6C>T on transcript NM_001365999.1 (MANE Select); 6 bases into the intron before coding-DNA position 8500, C replaced by T.
Molecular consequence: intron variant.
Genome position (GRCh38, 1-based): chr1:43,443,346, C>T. VCF-style: chr1-43443346-C-T. GRCh37 (hg19) VCF-style: chr1-43909017-C-T.
Other names: c.8329-6C>T (NM_015284.4).
Identifiers: ClinVar variation 3336015 (VCV003336015.1).
Genomic context (GRCh38, chr1:43,443,346, plus strand): 5'-CATCTTCCTTGAGTATCTGTGATCCTGCCCCGTCACTGCTCCATGCTCACTGCCCTGTTT[C>T]CCCAGGCTGGAGAGCTGGAGACCCTGAAGCAGTCATCCCGCCTGGTGCATTACTGTGCAA-3'

ClinVar aggregate classification (germline): Uncertain significance (1 of 4 stars; one submission).

gnomAD v4.1: 1 of 1,614,064 alleles (0.000062%); highest among the groups gnomAD compares: African/African-American, 0.0013%; no homozygotes.

Submission:

Women's Health and Genetics/Laboratory Corporation of America, LabCorp
Classification: Uncertain significance. Last evaluated: 2024-05-13. Review status: criteria provided, single submitter. Criteria: LabCorp Variant Classification Summary - May 2015. Collection method: clinical testing. Allele origin: germline.
Comment: Variant summary: SZT2 c.8329-6C>T alters a non-conserved nucleotide located close to a canonical splice site and therefore could affect mRNA splicing, leading to a significantly altered protein sequence. Consensus agreement among computation tools predict no significant impact on normal splicing. However, these predictions have yet to be confirmed by functional studies. The variant was absent in 251306 control chromosomes. The available data on variant occurrences in the general population are insufficient to allow any conclusion about variant significance. To our knowledge, no occurrence of c.8329-6C>T in individuals affected with Early Infantile Epileptic Encephalopathy 18 and no experimental evidence demonstrating its impact on protein function have been reported. No submitters have cited clinical-significance assessments for this variant to ClinVar. Based on the evidence outlined above, the variant was classified as uncertain significance.